The following is an entry in ClinVar:

NM_001013838.3(CARMIL2):c.1415G>T (p.Cys472Phe)

Gene: CARMIL2 (capping protein regulator and myosin 1 linker 2; plus strand). Cytogenetic location: 16q22.1.
Variant type: single nucleotide variant.
Coding change: c.1415G>T on transcript NM_001013838.3 (MANE Select); coding-DNA position 1415, G replaced by T.
Protein change: p.Cys472Phe; replaces cysteine 472 with phenylalanine.
Molecular consequence: missense variant.
Genome position (GRCh38, 1-based): chr16:67,648,478, G>T. VCF-style: chr16-67648478-G-T. GRCh37 (hg19) VCF-style: chr16-67682381-G-T.
Other names: c.1415G>T (NM_001013838.1); c.1307G>T, p.Cys436Phe (NM_001317026.3); short protein forms C436F, C472F.
Identifiers: ClinVar variation 2779938 (VCV002779938.4), dbSNP rs2543547518, ClinGen allele CA396336685.

ClinVar aggregate classification (germline): Uncertain significance. Review status: criteria provided, multiple submitters, no conflicts (2 of 4 stars). 2 submissions from 2 submitters: Uncertain significance (2). Last evaluated 2025-12-01.

Submissions (2):

Labcorp Genetics (formerly Invitae), Labcorp
Classification: Uncertain significance. Last evaluated: 2025-12-01. Review status: criteria provided, single submitter. Criteria: Invitae Variant Classification Sherloc (09022015). Collection method: clinical testing. Allele origin: germline.
Comment: This sequence change replaces cysteine, which is neutral and slightly polar, with phenylalanine, which is neutral and non-polar, at codon 472 of the CARMIL2 protein (p.Cys472Phe). This variant is not present in population databases (gnomAD no frequency). This variant has not been reported in the literature in individuals affected with CARMIL2-related conditions. ClinVar contains an entry for this variant (Variation ID: 2779938). Invitae Evidence Modeling of protein sequence and biophysical properties (such as structural, functional, and spatial information, amino acid conservation, physicochemical variation, residue mobility, and thermodynamic stability) indicates that this missense variant is not expected to disrupt CARMIL2 protein function with a negative predictive value of 80%. In summary, the available evidence is currently insufficient to determine the role of this variant in disease. Therefore, it has been classified as a Variant of Uncertain Significance.

GeneDx
Classification: Uncertain significance. Last evaluated: 2024-07-11. Review status: criteria provided, single submitter. Criteria: GeneDx Variant Classification Process June 2021. Collection method: clinical testing. Allele origin: germline. Affected: yes.
Comment: Not observed at significant frequency in large population cohorts (gnomAD); In silico analysis supports that this missense variant has a deleterious effect on protein structure/function; Has not been previously published as pathogenic or benign to our knowledge